The following is an entry in ClinVar:

ClinVar aggregate classification (germline): Likely benign (1 of 4 stars; one submission).

gnomAD v4.1: 12,954 of 1,610,392 alleles (0.8%); highest among the groups gnomAD compares: Non-Finnish European, 0.86%; 473 homozygotes.

Submission:

CeGaT Center for Human Genetics Tuebingen
Classification: Likely benign. Last evaluated: 2026-04-01. Review status: criteria provided, single submitter. Criteria: CeGaT Center For Human Genetics Tuebingen Variant Classification Criteria Version 2. Collection method: clinical testing. Allele origin: germline. Affected: yes. Observed: 1 variant allele.
Comment: MRGPRX1: BP4, BS2

NM_001393578.1(MRGPRX1):c.391C>A (p.Arg131Ser)

Gene: MRGPRX1 (MAS related GPR family member X1; minus strand). Cytogenetic location: 11p15.1.
Variant type: single nucleotide variant.
Coding change: c.391C>A on transcript NM_001393578.1 (MANE Select); coding-DNA position 391, C replaced by A.
Protein change: p.Arg131Ser; replaces arginine 131 with serine.
Molecular consequence: missense variant.
Genome position (GRCh38, 1-based): chr11:18,934,394, G>T on the plus strand (C>A on the coding strand, the complement: MRGPRX1 is on the minus strand). VCF-style: chr11-18934394-G-T. GRCh37 (hg19) VCF-style: chr11-18955941-G-T.
Other names: c.391C>A, p.Arg131Ser (NM_147199.4); short protein forms R131S.
Identifiers: ClinVar variation 4872117 (VCV004872117.2).
Genomic context (GRCh38, chr11:18,934,394, plus strand): 5'-GGGACAGGGCCCAGAGCAGGACACACACCACCGCTGACAGGTGTGTGGGGCGGTGGCAGC[G>T]GTACCAGATGGGCCACAGGACGGACAGGCAGCGCTCGGTGCTCACGGCACTCAGAAAGCT-3'
Protein context (NP_001380507.1, residues 121-141): CLSVLWPIWY[Arg131Ser]CHRPTHLSAV